The following is an entry in ClinVar:

NM_001029896.2(WDR45):c.626C>G (p.Ser209Ter)

Gene: WDR45 (WD repeat domain 45; minus strand). Cytogenetic location: Xp11.23.
Variant type: single nucleotide variant.
Coding change: c.626C>G on transcript NM_001029896.2 (MANE Select); coding-DNA position 626, C replaced by G.
Protein change: p.Ser209Ter; replaces serine 209 with a stop codon.
Molecular consequence: nonsense.
Genome position (GRCh38, 1-based): chrX:49,075,644, G>C on the plus strand (C>G on the coding strand, the complement: WDR45 is on the minus strand). VCF-style: chrX-49075644-G-C. GRCh37 (hg19) VCF-style: chrX-48933303-G-C.
Other names: c.629C>G, p.Ser210Ter (NM_007075.4); short protein forms S209*, S210*.
Identifiers: ClinVar variation 2812903 (VCV002812903.3), dbSNP rs2520261521, ClinGen allele CA412944110.

ClinVar aggregate classification (germline): Pathogenic (1 of 4 stars; one submission).

Conditions:
Neurodegeneration with brain iron accumulation 5 (NBIA5). Also called: STATIC ENCEPHALOPATHY OF CHILDHOOD WITH NEURODEGENERATION IN ADULTHOOD; Beta-propeller protein-associated neurodegeneration. Identifiers: Orphanet 329284, MedGen C3550973, MONDO:0010476, OMIM 300894.

Submission:

Labcorp Genetics (formerly Invitae), Labcorp
Classification: Pathogenic for Neurodegeneration with brain iron accumulation 5. Last evaluated: 2022-11-14. Review status: criteria provided, single submitter. Criteria: Invitae Variant Classification Sherloc (09022015). Collection method: clinical testing. Allele origin: germline.
Comment: For these reasons, this variant has been classified as Pathogenic. This sequence change creates a premature translational stop signal (p.Ser210*) in the WDR45 gene. It is expected to result in an absent or disrupted protein product. Loss-of-function variants in WDR45 are known to be pathogenic (PMID: 23176820, 24368176, 24621584, 25744623, 26790960, 27030146, 27652284, 28554332). This variant is not present in population databases (gnomAD no frequency). This variant has not been reported in the literature in individuals affected with WDR45-related conditions.

Literature cited by the submitters: PubMed 23176820; PubMed 24368176; PubMed 24621584; PubMed 25744623; PubMed 26790960; PubMed 27030146; PubMed 27652284; PubMed 28554332.